The following is an entry in ClinVar:

NM_005631.5(SMO):c.529G>A (p.Gly177Ser)

Gene: SMO (smoothened, frizzled class receptor; plus strand). Cytogenetic location: 7q32.1.
Variant type: single nucleotide variant.
Coding change: c.529G>A on transcript NM_005631.5 (MANE Select); coding-DNA position 529, G replaced by A.
Protein change: p.Gly177Ser; replaces glycine 177 with serine.
Molecular consequence: missense variant.
Genome position (GRCh38, 1-based): chr7:129,203,581, G>A. VCF-style: chr7-129203581-G-A. GRCh37 (hg19) VCF-style: chr7-128843422-G-A.
Other names: short protein forms G177S.
Identifiers: ClinVar variation 4756032 (VCV004756032.1).

ClinVar aggregate classification (germline): Uncertain significance (1 of 4 stars; one submission).

Submission:

GeneDx
Classification: Uncertain significance. Last evaluated: 2025-08-02. Review status: criteria provided, single submitter. Criteria: GeneDx Variant Classification Process June 2021. Collection method: clinical testing. Allele origin: germline. Affected: yes.
Comment: Not observed at significant frequency in large population cohorts (gnomAD); In silico analysis suggests that this missense variant does not alter protein structure/function; Has not been previously published as pathogenic or benign to our knowledge